The following is an entry in ClinVar:

ClinVar aggregate classification (germline): Uncertain significance (1 of 4 stars; one submission).

Conditions:
Familial thoracic aortic aneurysm and aortic dissection (TAAD). Also called: Thoracic aortic aneurysms and dissections. Identifiers: Orphanet 91387, MedGen C4707243, MONDO:0019625.

Allele frequency attached by ClinVar (database versions not stated): TOPMed below 0.00001.

Submission:

Ambry Genetics
Classification: Uncertain significance for Familial thoracic aortic aneurysm and aortic dissection. Last evaluated: 2025-12-01. Review status: criteria provided, single submitter. Criteria: Ambry Variant Classification Scheme 2023. Collection method: clinical testing. Allele origin: germline.
Comment: The p.V1523A variant (also known as c.4568T>C), located in coding exon 31 of the MYH11 gene, results from a T to C substitution at nucleotide position 4568. The valine at codon 1523 is replaced by alanine, an amino acid with similar properties. This amino acid position is conserved. In addition, the in silico prediction for this alteration is inconclusive. Since supporting evidence is limited at this time, the clinical significance of this alteration remains unclear.

NM_002474.3(MYH11):c.4568T>C (p.Val1523Ala)

Genes: NDE1 (nudE neurodevelopment protein 1; plus strand), MYH11 (myosin heavy chain 11; minus strand). Cytogenetic location: 16p13.11.
Variant type: single nucleotide variant.
Coding change: c.4568T>C on transcript NM_002474.3 (MANE Select); coding-DNA position 4568, T replaced by C.
Protein change: p.Val1523Ala; replaces valine 1523 with alanine.
Molecular consequence: missense variant. On other transcripts: intron variant (2).
Genome position (GRCh38, 1-based): chr16:15,721,432, A>G on the plus strand (T>C on the coding strand, the complement: MYH11 is on the minus strand). VCF-style: chr16-15721432-A-G. GRCh37 (hg19) VCF-style: chr16-15815289-A-G.
Other names: c.4589T>C, p.Val1530Ala (NM_001040113.2, NM_001040114.2); c.4568T>C, p.Val1523Ala (NM_022844.3); c.948-2759A>G (NM_001143979.2, NM_017668.3); short protein forms V1523A, V1530A.
Identifiers: ClinVar variation 1741524 (VCV001741524.3), dbSNP rs2040476976, ClinGen allele CA394854798.
Genomic context (GRCh38, chr16:15,721,432, plus strand): 5'-AGGGTGGGCAGGCGAAACATGGACGAGAAAAACCACCCAGAGCCACTTACGTTCTTGCCC[A>G]CGTCATCCTTGGAGCTGACCAGGTCTTCCATTTCGGCTTTGAGCATTTTGTTGGTCCGCT-3'
Protein context (NP_002465.1, residues 1513-1533): MEDLVSSKDD[Val1523Ala]GKNVHELEKS